The following is an entry in ClinVar:

NM_152618.3(BBS12):c.1932dup (p.Ser645Ter)

Gene: BBS12 (Bardet-Biedl syndrome 12; plus strand). Cytogenetic location: 4q27.
Variant type: Duplication.
Coding change: c.1932dup on transcript NM_152618.3 (MANE Select); coding-DNA position 1932, one base duplicated (T; older notation c.1932dupT).
Protein change: p.Ser645Ter; replaces serine 645 with a stop codon.
Molecular consequence: nonsense.
Genome position (GRCh38, 1-based): chr4:122,743,824, T duplicated. VCF-style (leftmost placement, unchanged base first): chr4-122743823-A-AT. GRCh37 (hg19) VCF-style: chr4-123664978-A-AT.
Other names: c.1932dup, p.Ser645Ter (NM_001178007.2); short protein forms S645*.
Identifiers: ClinVar variation 4816885 (VCV004816885.1).

ClinVar aggregate classification (germline): Likely pathogenic (1 of 4 stars; one submission).

Conditions:
Bardet-Biedl syndrome 12 (BBS12). Identifiers: Orphanet 110, MedGen C1859570, MONDO:0014440, OMIM 615989.

Submission:

Natera, Inc.
Classification: Likely pathogenic for Bardet-Biedl syndrome type 12. Last evaluated: 2025-09-09. Review status: criteria provided, single submitter. Criteria: Natera Variant Classification Schema (03/2026). Collection method: clinical testing. Allele origin: germline.
Comment: The c.1932dup variant in BBS12 is a frameshift variant predicted to shift the reading frame and introduce a stop codon. This variant is expected to result in nonsense mediated decay, truncation, or a dysfunctional protein product. This variant is rare in the general population with a frequency below the threshold expected for the associated phenotype(s). Given the available evidence, this variant is classified as Likely Pathogenic.